The following is an entry in ClinVar:

NM_000760.4(CSF3R):c.1630C>A (p.Gln544Lys)

Gene: CSF3R (colony stimulating factor 3 receptor; minus strand). Cytogenetic location: 1p34.3.
Variant type: single nucleotide variant.
Coding change: c.1630C>A on transcript NM_000760.4 (MANE Select); coding-DNA position 1630, C replaced by A.
Protein change: p.Gln544Lys; replaces glutamine 544 with lysine.
Molecular consequence: missense variant.
Genome position (GRCh38, 1-based): chr1:36,468,168, G>T on the plus strand (C>A on the coding strand, the complement: CSF3R is on the minus strand). VCF-style: chr1-36468168-G-T. GRCh37 (hg19) VCF-style: chr1-36933769-G-T.
Other names: c.1630C>A, p.Gln544Lys (NM_156039.3, NM_172313.3); short protein forms Q544K.
Identifiers: ClinVar variation 4753804 (VCV004753804.1).

ClinVar aggregate classification (germline): Uncertain significance (1 of 4 stars; one submission).

Conditions:
Autosomal recessive severe congenital neutropenia due to CSF3R deficiency. Also called: Neutropenia, severe congenital, 7, autosomal recessive. Identifiers: Orphanet 420702, MedGen C4310764, MONDO:0014865, OMIM 617014.

gnomAD v4.1: 4 of 1,612,650 alleles (0.00025%); highest among the groups gnomAD compares: Non-Finnish European, 0.00034%; no homozygotes.

Submission:

Labcorp Genetics (formerly Invitae), Labcorp
Classification: Uncertain significance for Autosomal recessive severe congenital neutropenia due to CSF3R deficiency. Last evaluated: 2025-05-19. Review status: criteria provided, single submitter. Criteria: Invitae Variant Classification Sherloc (09022015). Collection method: clinical testing. Allele origin: germline.
Comment: This sequence change replaces glutamine, which is neutral and polar, with lysine, which is basic and polar, at codon 544 of the CSF3R protein (p.Gln544Lys). This variant is present in population databases (no rsID available, gnomAD 0.002%). This variant has not been reported in the literature in individuals affected with CSF3R-related conditions. Invitae Evidence Modeling of protein sequence and biophysical properties (such as structural, functional, and spatial information, amino acid conservation, physicochemical variation, residue mobility, and thermodynamic stability) indicates that this missense variant is not expected to disrupt CSF3R protein function with a negative predictive value of 80%. In summary, the available evidence is currently insufficient to determine the role of this variant in disease. Therefore, it has been classified as a Variant of Uncertain Significance.